The following is an entry in ClinVar:

NM_005215.4(DCC):c.1198T>C (p.Cys400Arg)

Gene: DCC (DCC netrin 1 receptor; plus strand). Cytogenetic location: 18q21.2.
Variant type: single nucleotide variant.
Coding change: c.1198T>C on transcript NM_005215.4 (MANE Select); coding-DNA position 1198, T replaced by C.
Protein change: p.Cys400Arg; replaces cysteine 400 with arginine.
Molecular consequence: missense variant.
Genome position (GRCh38, 1-based): chr18:53,066,103, T>C. VCF-style: chr18-53066103-T-C. GRCh37 (hg19) VCF-style: chr18-50592473-T-C.
Other names: short protein forms C400R.
Identifiers: ClinVar variation 3343600 (VCV003343600.1).
Genomic context (GRCh38, chr18:53,066,103, plus strand): 5'-TAGGGAGGAAGCAACTTACGGATACTTGGGGTGGTGAAGTCAGATGAAGGCTTTTATCAA[T>C]GTGTGGCTGAAAATGAGGCTGGAAATGCCCAGACCAGTGCACAGCTCATTGTCCCTAAGC-3'
Protein context (NP_005206.2, residues 390-410): VVKSDEGFYQ[Cys400Arg]VAENEAGNAQ

ClinVar aggregate classification (germline): Uncertain significance (1 of 4 stars; one submission).

gnomAD v4.1: 1 of 1,613,462 alleles (0.000062%); highest among the groups gnomAD compares: Non-Finnish European, 0.000085%; no homozygotes.

Submission:

GeneDx
Classification: Uncertain significance. Last evaluated: 2023-05-15. Review status: criteria provided, single submitter. Criteria: GeneDx Variant Classification Process June 2021. Collection method: clinical testing. Allele origin: germline. Affected: yes.
Comment: Not observed at significant frequency in large population cohorts (gnomAD); In silico analysis supports that this missense variant has a deleterious effect on protein structure/function; Has not been previously published as pathogenic or benign to our knowledge